The following is an entry in ClinVar:

ClinVar aggregate classification (germline): Uncertain significance (1 of 4 stars; one submission).

Submission:

Labcorp Genetics (formerly Invitae), Labcorp
Classification: Uncertain significance. Last evaluated: 2022-02-11. Review status: criteria provided, single submitter. Criteria: Invitae Variant Classification Sherloc (09022015). Collection method: clinical testing. Allele origin: germline.
Comment: In summary, the available evidence is currently insufficient to determine the role of this variant in disease. Therefore, it has been classified as a Variant of Uncertain Significance. Algorithms developed to predict the effect of missense changes on protein structure and function are either unavailable or do not agree on the potential impact of this missense change (SIFT: "Not Available"; PolyPhen-2: "Probably Damaging"; Align-GVGD: "Not Available"). This variant has not been reported in the literature in individuals affected with CEP250-related conditions. This variant is not present in population databases (gnomAD no frequency). This sequence change replaces valine, which is neutral and non-polar, with alanine, which is neutral and non-polar, at codon 808 of the CEP250 protein (p.Val808Ala).

NM_007186.6(CEP250):c.2423T>C (p.Val808Ala)

Genes: CEP250 (centrosomal protein 250; plus strand), CEP250-AS1 (CEP250 antisense RNA 1; minus strand). Cytogenetic location: 20q11.22.
Variant type: single nucleotide variant.
Coding change: c.2423T>C on transcript NM_007186.6 (MANE Select); coding-DNA position 2423, T replaced by C.
Protein change: p.Val808Ala; replaces valine 808 with alanine.
Molecular consequence: missense variant.
Genome position (GRCh38, 1-based): chr20:35,479,982, T>C. VCF-style: chr20-35479982-T-C. GRCh37 (hg19) VCF-style: chr20-34067807-T-C.
Other names: c.527T>C, p.Val176Ala (NM_001318219.1); short protein forms V176A, V808A.
Identifiers: ClinVar variation 2095441 (VCV002095441.4), dbSNP rs2063299231, ClinGen allele CA408769661.